The following is an entry in ClinVar:

NM_001128840.3(CACNA1D):c.698G>A (p.Gly233Asp)

Gene: CACNA1D (calcium voltage-gated channel subunit alpha1 D; plus strand). Cytogenetic location: 3p21.1.
Variant type: single nucleotide variant.
Coding change: c.698G>A on transcript NM_001128840.3 (MANE Select); coding-DNA position 698, G replaced by A.
Protein change: p.Gly233Asp; replaces glycine 233 with aspartic acid.
Molecular consequence: missense variant.
Genome position (GRCh38, 1-based): chr3:53,660,207, G>A. VCF-style: chr3-53660207-G-A. GRCh37 (hg19) VCF-style: chr3-53694234-G-A.
Other names: c.698G>A, p.Gly233Asp (NM_000720.4, NM_001128839.3); short protein forms G233D.
Identifiers: ClinVar variation 4796565 (VCV004796565.1).
Genomic context (GRCh38, chr3:53,660,207, plus strand): 5'-TTTTGGAACAATTAACCAAAGAAACAGAAGGCGGGAACCACTCAAGCGGCAAATCTGGAG[G>A]CTTTGATGTCAAAGCCCTCCGTGCCTTTCGAGTGTTGCGACCACTTCGACTAGTGTCAGG-3'
Protein context (NP_001122312.1, residues 223-243): GGNHSSGKSG[Gly233Asp]FDVKALRAFR

ClinVar aggregate classification (germline): Likely pathogenic (1 of 4 stars; one submission).

Conditions:
Sinoatrial node dysfunction and deafness (SANDD). Identifiers: Orphanet 324321, MedGen C3554018, MONDO:0013960, OMIM 614896.
Aldosterone-producing adenoma with seizures and neurological abnormalities. Also called: Primary aldosteronism, seizures, and neurologic abnormalities. Identifiers: Orphanet 369929, MedGen C3809609, MONDO:0014200, OMIM 615474.

gnomAD v4.1: 3 of 1,614,068 alleles (0.00019%); highest among the groups gnomAD compares: Non-Finnish European, 0.00025%; no homozygotes.

Submission:

Juno Genomics, Hangzhou Juno Genomics, Inc
Classification: Likely pathogenic for Aldosterone-producing adenoma with seizures and neurological abnormalities; Sinoatrial node dysfunction and deafness. Review status: criteria provided, single submitter. Criteria: ACMG Guidelines, 2015. Collection method: clinical testing. Allele origin: germline. Affected: yes.
Comment: Absent from controls (or at extremely low frequency if recessive) in Genome Aggregation Database, Exome Sequencing Project, 1000 Genomes Project, or Exome Aggregation Consortium.;Multiple lines of computational evidence support a deleterious effect on the gene or gene product (conservation, evolutionary, splicing impact, etc).;Missense variant in a gene that has a low rate of benign missense variation and where missense variants are a common mechanism of disease.